The following is an entry in ClinVar:

ClinVar aggregate classification (germline): Uncertain significance (1 of 4 stars; one submission).

Conditions:
Cerebellar dysfunction with variable cognitive and behavioral abnormalities (CECBA). Also called: Nonprogressive cerebellar atxia with intellectual disability. Identifiers: Orphanet 314647, MedGen C3553661, MONDO:0013886, OMIM 614756.

Submission:

Dasa
Classification: Uncertain significance for Cerebellar dysfunction with variable cognitive and behavioral abnormalities. Last evaluated: 2025-10-31. Review status: criteria provided, single submitter. Criteria: DASA Assertion Criteria. Collection method: clinical testing. Allele origin: germline.
Comment: NM_015215.4(CAMTA1):c.651G>C (p.Gln217His) is a missense variant that results in the substitution of glutamine with histidine. This variant is absent from population databases. The currently available literature and clinical evidence are not sufficient to establish a definitive association between this variant and the reported condition. Therefore, this variant is classified as a variant of uncertain significance.

NM_015215.4(CAMTA1):c.651G>C (p.Gln217His)

Gene: CAMTA1 (calmodulin binding transcription activator 1; plus strand). Cytogenetic location: 1p36.23.
Variant type: single nucleotide variant.
Coding change: c.651G>C on transcript NM_015215.4 (MANE Select); coding-DNA position 651, G replaced by C.
Protein change: p.Gln217His; replaces glutamine 217 with histidine.
Molecular consequence: missense variant.
Genome position (GRCh38, 1-based): chr1:7,640,540, G>C. VCF-style: chr1-7640540-G-C. GRCh37 (hg19) VCF-style: chr1-7700600-G-C.
Other names: c.561G>C, p.Gln187His (NM_001349608.2, NM_001349612.2); c.651G>C, p.Gln217His (NM_001349609.2, NM_001349610.2, NM_001410737.1); c.579G>C, p.Gln193His (NM_001410738.1); short protein forms Q187H, Q193H, Q217H.
Identifiers: ClinVar variation 4881753 (VCV004881753.2).